The following is an entry in ClinVar:

NM_015102.5(NPHP4):c.1063G>T (p.Ala355Ser)

Gene: NPHP4 (nephrocystin 4; minus strand). Cytogenetic location: 1p36.31.
Variant type: single nucleotide variant.
Coding change: c.1063G>T on transcript NM_015102.5 (MANE Select); coding-DNA position 1063, G replaced by T.
Protein change: p.Ala355Ser; replaces alanine 355 with serine.
Molecular consequence: missense variant. On other transcripts: 5 prime UTR variant (2), non-coding transcript variant (1).
Genome position (GRCh38, 1-based): chr1:5,947,160, C>A on the plus strand (G>T on the coding strand, the complement: NPHP4 is on the minus strand). VCF-style: chr1-5947160-C-A. GRCh37 (hg19) VCF-style: chr1-6007220-C-A.
Other names: c.-304G>T (NM_001291593.2, NM_001291594.2); short protein forms A355S.
Identifiers: ClinVar variation 1398695 (VCV001398695.5), dbSNP rs761112031, ClinGen allele CA554654.
Genomic context (GRCh38, chr1:5,947,160, plus strand): 5'-TTACATTGCCGTCCACTCCTGCAGGGCTGCTGAACACGTACTCCAGCTGGAAGATGACCG[C>A]AAATGCAGGGTGGCCGACCATCTCTGGGAGGCGGAGGCGGCTTCTCAAAACCAGAGCTTG-3'
Protein context (NP_055917.1, residues 345-365): LPEMVGHPAF[Ala355Ser]VIFQLEYVFS

ClinVar aggregate classification (germline): Uncertain significance (1 of 4 stars; one submission).

Conditions:
Nephronophthisis. Also called: Juvenile Nephronophthisis. Identifiers: Orphanet 655, MedGen C0687120, MONDO:0019005, HP:0000090.

Allele frequency attached by ClinVar (database versions not stated): gnomAD exomes 0.00001; TOPMed 0.00004; ExAC 0.00001; gnomAD 0.00002.

Submission:

Labcorp Genetics (formerly Invitae), Labcorp
Classification: Uncertain significance for Nephronophthisis. Last evaluated: 2022-08-10. Review status: criteria provided, single submitter. Criteria: Invitae Variant Classification Sherloc (09022015). Collection method: clinical testing. Allele origin: germline.
Comment: This sequence change replaces alanine, which is neutral and non-polar, with serine, which is neutral and polar, at codon 355 of the NPHP4 protein (p.Ala355Ser). This variant is present in population databases (rs761112031, gnomAD 0.02%). This variant has not been reported in the literature in individuals affected with NPHP4-related conditions. ClinVar contains an entry for this variant (Variation ID: 1398695). Algorithms developed to predict the effect of missense changes on protein structure and function are either unavailable or do not agree on the potential impact of this missense change (SIFT: "Deleterious"; PolyPhen-2: "Benign"; Align-GVGD: "Class C0"). In summary, the available evidence is currently insufficient to determine the role of this variant in disease. Therefore, it has been classified as a Variant of Uncertain Significance.